The following is an entry in ClinVar:

NM_170665.4(ATP2A2):c.-274G>C

Gene: ATP2A2 (ATPase sarcoplasmic/endoplasmic reticulum Ca2+ transporting 2; plus strand). Cytogenetic location: 12q24.11.
Variant type: single nucleotide variant.
Coding change: c.-274G>C on transcript NM_170665.4 (MANE Select); 274 bases upstream of the start codon, G replaced by C.
Molecular consequence: 5 prime UTR variant.
Genome position (GRCh38, 1-based): chr12:110,281,516, G>C. VCF-style: chr12-110281516-G-C. GRCh37 (hg19) VCF-style: chr12-110719321-G-C.
Other names: c.-274G>C (NM_001681.4).
Identifiers: ClinVar variation 307153 (VCV000307153.5), dbSNP rs558822961, ClinGen allele CA10640153.

ClinVar aggregate classification (germline): Benign (1 of 4 stars; one submission).

Conditions:
Keratosis follicularis (DAR). Also called: Darier disease; Darier's disease. Identifiers: Orphanet 218, MedGen C0022595, MONDO:0007417, OMIM 124200.

Allele frequency attached by ClinVar (database versions not stated): gnomAD 0.00081; 1000 Genomes Project 0.00120; TOPMed 0.00166; 1000 Genomes Project 30x 0.00468.
gnomAD v4.1: 239 of 202,460 alleles (0.12%); highest among the groups gnomAD compares: East Asian, 2.5%; 5 homozygotes.

Submission:

Illumina Laboratory Services, Illumina
Classification: Benign for Keratosis follicularis. Last evaluated: 2018-01-13. Review status: criteria provided, single submitter. Criteria: ICSL Variant Classification Criteria 13 December 2019. Collection method: clinical testing. Allele origin: germline.
Comment: This variant was observed in the ICSL laboratory as part of a predisposition screen in an ostensibly healthy population. It had not been previously curated by ICSL or reported in the Human Gene Mutation Database (HGMD: prior to June 1st, 2018), and was therefore a candidate for classification through an automated scoring system. Utilizing variant allele frequency, disease prevalence and penetrance estimates, and inheritance mode, an automated score was calculated to assess if this variant is too frequent to cause the disease. Based on the score and internal cut-off values, a variant classified as benign is not then subjected to further curation. The score for this variant resulted in a classification of benign for this disease.